The following is an entry in ClinVar:

ClinVar aggregate classification (germline): Likely benign (1 of 4 stars; one submission).

gnomAD v4.1: 4 of 1,614,108 alleles (0.00025%); highest among the groups gnomAD compares: South Asian, 0.0011%; no homozygotes.

Submission:

Mayo Clinic Laboratories, Mayo Clinic
Classification: Likely benign. Last evaluated: 2025-10-09. Review status: criteria provided, single submitter. Criteria: ACMG Guidelines, 2015. Collection method: clinical testing. Allele origin: germline. Observed: 1 variant allele.
Comment: BP4, BP7

NM_012470.4(TNPO3):c.1389A>G (p.Leu463=)

Gene: TNPO3 (transportin 3; minus strand). Cytogenetic location: 7q32.1.
Variant type: single nucleotide variant.
Coding change: c.1389A>G on transcript NM_012470.4 (MANE Select); coding-DNA position 1389, A replaced by G.
Protein change: p.Leu463=; no amino-acid change (leucine 463 retained).
Molecular consequence: synonymous variant. On other transcripts: non-coding transcript variant (18).
Genome position (GRCh38, 1-based): chr7:128,990,070, T>C on the plus strand (A>G on the coding strand, the complement: TNPO3 is on the minus strand). VCF-style: chr7-128990070-T-C. GRCh37 (hg19) VCF-style: chr7-128630124-T-C.
Other names: p.Leu463=; c.1389A>G, p.Leu463= (NM_001191028.3, NM_001382218.1, NM_001382220.1 and 1 more transcripts); c.1491A>G, p.Leu497= (NM_001382216.1); c.1470A>G, p.Leu490= (NM_001382217.1); c.1281A>G, p.Leu427= (NM_001382219.1); c.1245A>G, p.Leu415= (NM_001382221.1); c.1242A>G, p.Leu414= (NM_001382222.1).
Identifiers: ClinVar variation 4683307 (VCV004683307.1).